The following is an entry in ClinVar:

ClinVar aggregate classification (germline): Uncertain significance. Review status: criteria provided, multiple submitters, no conflicts (2 of 4 stars). 2 submissions from 2 submitters: Uncertain significance (2). Last evaluated 2024-10-15.

Conditions:
Arrhythmogenic cardiomyopathy with wooly hair and keratoderma. Also called: PALMOPLANTAR KERATODERMA WITH LEFT VENTRICULAR CARDIOMYOPATHY AND WOOLLY HAIR; Carvajal syndrome; Dilated cardiomyopathy with woolly hair and keratoderma; Arrhythmogenic cardiomyopathy with woolly hair and keratoderma. Identifiers: Orphanet 65282, MedGen C1854063, MONDO:0011581, OMIM 605676.
Arrhythmogenic right ventricular dysplasia 8 (ARVD8). Also called: ARRHYTHMOGENIC RIGHT VENTRICULAR DYSPLASIA, FAMILIAL, 8; Arrhythmogenic Right Ventricular Dysplasia/Cardiomyopathy 8; ARRHYTHMOGENIC RIGHT VENTRICULAR CARDIOMYOPATHY 8. Identifiers: MedGen C1843896, MONDO:0011831, OMIM 607450.

Submissions (2):

Labcorp Genetics (formerly Invitae), Labcorp
Classification: Uncertain significance for Arrhythmogenic cardiomyopathy with wooly hair and keratoderma; Arrhythmogenic right ventricular dysplasia 8. Last evaluated: 2024-10-15. Review status: criteria provided, single submitter. Criteria: Invitae Variant Classification Sherloc (09022015). Collection method: clinical testing. Allele origin: germline.
Comment: This sequence change replaces arginine, which is basic and polar, with proline, which is neutral and non-polar, at codon 315 of the DSP protein (p.Arg315Pro). This variant is not present in population databases (gnomAD no frequency). This missense change has been observed in individual(s) with arrhythmogenic cardiomyopathy (PMID: 27532257, 33313835). ClinVar contains an entry for this variant (Variation ID: 1803257). An algorithm developed to predict the effect of missense changes on protein structure and function (PolyPhen-2) suggests that this variant is likely to be disruptive. In summary, the available evidence is currently insufficient to determine the role of this variant in disease. Therefore, it has been classified as a Variant of Uncertain Significance.

Genetics and Molecular Pathology, SA Pathology
Classification: Uncertain significance for Arrhythmogenic right ventricular dysplasia 8. Last evaluated: 2022-01-25. Review status: criteria provided, single submitter. Criteria: ACMG Guidelines, 2015. Collection method: clinical testing. Allele origin: germline. Affected: yes.

Literature cited by the submitters: PubMed 27532257 (cited by Labcorp Genetics (formerly Invitae), Labcorp); PubMed 33313835 (cited by Labcorp Genetics (formerly Invitae), Labcorp).

NM_004415.4(DSP):c.944G>C (p.Arg315Pro)

Gene: DSP (desmoplakin; plus strand). Cytogenetic location: 6p24.3.
Variant type: single nucleotide variant.
Coding change: c.944G>C on transcript NM_004415.4 (MANE Select); coding-DNA position 944, G replaced by C.
Protein change: p.Arg315Pro; replaces arginine 315 with proline.
Molecular consequence: missense variant.
Genome position (GRCh38, 1-based): chr6:7,566,381, G>C. VCF-style: chr6-7566381-G-C. GRCh37 (hg19) VCF-style: chr6-7566614-G-C.
Other names: c.944G>C, p.Arg315Pro (NM_001008844.3, NM_001319034.2, NM_001406591.1); short protein forms R315P.
Identifiers: ClinVar variation 1803257 (VCV001803257.7), dbSNP rs558825586, ClinGen allele CA362674757.